The following is an entry in ClinVar:

NM_004722.4(AP4M1):c.1226T>C (p.Phe409Ser)

Gene: AP4M1 (adaptor related protein complex 4 subunit mu 1; plus strand). Cytogenetic location: 7q22.1.
Variant type: single nucleotide variant.
Coding change: c.1226T>C on transcript NM_004722.4 (MANE Select); coding-DNA position 1226, T replaced by C.
Protein change: p.Phe409Ser; replaces phenylalanine 409 with serine.
Molecular consequence: missense variant.
Genome position (GRCh38, 1-based): chr7:100,106,746, T>C. VCF-style: chr7-100106746-T-C. GRCh37 (hg19) VCF-style: chr7-99704369-T-C.
Other names: c.1247T>C, p.Phe416Ser (NM_001363671.2); short protein forms F409S, F416S.
Identifiers: ClinVar variation 1708108 (VCV001708108.1), dbSNP rs2546963948, ClinGen allele CA368476858.
Genomic context (GRCh38, chr7:100,106,746, plus strand): 5'-CCAGCCATGGGCTCTCCACCTCGGCCTCTCCTCTGGGGCTGGGCCCTGCCAGTCTCTCCT[T>C]CGAGCTTCCCCGGCACACGTGCTCTGGCCTCCAGGTCCGATTCCTCAGGCTGGCCTTCAG-3'
Protein context (NP_004713.2, residues 399-419): PLGLGPASLS[Phe409Ser]ELPRHTCSGL

ClinVar aggregate classification (germline): Uncertain significance (1 of 4 stars; one submission).

Conditions:
Hereditary spastic paraplegia 50 (SPG50). Also called: Spastic paraplegia 50, autosomal recessive. Identifiers: Orphanet 280763, MedGen C2752008, MONDO:0013048, OMIM 612936.

Allele frequency attached by ClinVar (database versions not stated): gnomAD exomes below 0.00001.
gnomAD v4.1: 1 of 1,614,034 alleles (0.000062%); highest among the groups gnomAD compares: Non-Finnish European, 0.000085%; no homozygotes.

Submission:

Laboratory of Medical Genetics, National & Kapodistrian University of Athens
Classification: Uncertain significance for Hereditary spastic paraplegia 50. Last evaluated: 2022-03-24. Review status: criteria provided, single submitter. Criteria: ACMG Guidelines, 2015. Collection method: clinical testing. Allele origin: germline. Affected: yes.
Comment: PM2, PM5, PP3